The following is an entry in ClinVar:

NM_004595.5(SMS):c.637C>T (p.Pro213Ser)

Gene: SMS (spermine synthase; plus strand). Cytogenetic location: Xp22.11.
Variant type: single nucleotide variant.
Coding change: c.637C>T on transcript NM_004595.5 (MANE Select); coding-DNA position 637, C replaced by T.
Protein change: p.Pro213Ser; replaces proline 213 with serine.
Molecular consequence: missense variant.
Genome position (GRCh38, 1-based): chrX:21,978,091, C>T. VCF-style: chrX-21978091-C-T. GRCh37 (hg19) VCF-style: chrX-21996209-C-T.
Other names: c.478C>T, p.Pro160Ser (NM_001258423.2); short protein forms P160S, P213S.
Identifiers: ClinVar variation 3900335 (VCV003900335.1).

ClinVar aggregate classification (germline): Uncertain significance (1 of 4 stars; one submission).

Submission:

GeneDx
Classification: Uncertain significance. Last evaluated: 2024-11-25. Review status: criteria provided, single submitter. Criteria: GeneDx Variant Classification Process June 2021. Collection method: clinical testing. Allele origin: germline. Affected: yes.
Comment: Not observed at significant frequency in large population cohorts (gnomAD); In silico analysis supports that this missense variant has a deleterious effect on protein structure/function; Has not been previously published as pathogenic or benign to our knowledge